The following is an entry in ClinVar:

NM_000334.4(SCN4A):c.1925G>A (p.Trp642Ter)

Gene: SCN4A (sodium voltage-gated channel alpha subunit 4; minus strand). Cytogenetic location: 17q23.3.
Variant type: single nucleotide variant.
Coding change: c.1925G>A on transcript NM_000334.4 (MANE Select); coding-DNA position 1925, G replaced by A.
Protein change: p.Trp642Ter; replaces tryptophan 642 with a stop codon.
Molecular consequence: nonsense.
Genome position (GRCh38, 1-based): chr17:63,959,359, C>T on the plus strand (G>A on the coding strand, the complement: SCN4A is on the minus strand). VCF-style: chr17-63959359-C-T. GRCh37 (hg19) VCF-style: chr17-62036719-C-T.
Other names: short protein forms W642*.
Identifiers: ClinVar variation 1980672 (VCV001980672.4), dbSNP rs2509308046, ClinGen allele CA400632031.
Genomic context (GRCh38, chr17:63,959,359, plus strand): 5'-ACGTTGGCCAGGCCTAGCTCTACCAGGCTGAGGGTGACGATGATGCTGTCGAAGATATTC[C>T]AACCCTGCTGGAAATACTCGTAGGGGTCCATGGCAATCAGCTTCAGAACCATCTCTGCTG-3'

ClinVar aggregate classification (germline): Pathogenic (1 of 4 stars; one submission).

Conditions:
Hyperkalemic periodic paralysis. Also called: Familial hyperkalemic periodic paralysis; Gamstorp disease. Identifiers: Orphanet 682, MedGen C0238357, MONDO:0008224, OMIM 170500, HP:0007215.

Allele frequency attached by ClinVar (database versions not stated): gnomAD exomes below 0.00001.
gnomAD v4.1: 1 of 1,613,976 alleles (0.000062%); highest among the groups gnomAD compares: Non-Finnish European, 0.000085%; no homozygotes.

Submission:

Labcorp Genetics (formerly Invitae), Labcorp
Classification: Pathogenic for Hyperkalemic periodic paralysis. Last evaluated: 2022-07-18. Review status: criteria provided, single submitter. Criteria: Invitae Variant Classification Sherloc (09022015). Collection method: clinical testing. Allele origin: germline.
Comment: This sequence change creates a premature translational stop signal (p.Trp642*) in the SCN4A gene. It is expected to result in an absent or disrupted protein product. Loss-of-function variants in SCN4A are known to be pathogenic (PMID: 26700687). This variant is not present in population databases (gnomAD no frequency). This variant has not been reported in the literature in individuals affected with SCN4A-related conditions. For these reasons, this variant has been classified as Pathogenic.

Literature cited by the submitters: PubMed 26700687.